The following is an entry in ClinVar:

NM_001291303.3(FAT4):c.1345G>C (p.Gly449Arg)

Gene: FAT4 (FAT atypical cadherin 4; plus strand). Cytogenetic location: 4q28.1.
Variant type: single nucleotide variant.
Coding change: c.1345G>C on transcript NM_001291303.3 (MANE Select); coding-DNA position 1345, G replaced by C.
Protein change: p.Gly449Arg; replaces glycine 449 with arginine.
Molecular consequence: missense variant.
Genome position (GRCh38, 1-based): chr4:125,317,756, G>C. VCF-style: chr4-125317756-G-C. GRCh37 (hg19) VCF-style: chr4-126238911-G-C.
Other names: c.1345G>C, p.Gly449Arg (NM_001291285.3, NM_024582.6); short protein forms G449R.
Identifiers: ClinVar variation 1716964 (VCV001716964.3), dbSNP rs752912814, ClinGen allele CA358117708.
Genomic context (GRCh38, chr4:125,317,756, plus strand): 5'-GAGCGCATCCCTTCCTACAACCTCACAGTTTCCGTCTCTGATAACTACGGGGCGCCCCCT[G>C]GCGCAGCAGTCCAGGCGCGCTCTTCTGTGGCAAGCCTGGTGATTTTTGTTAATGACATCA-3'
Protein context (NP_001278232.1, residues 439-459): SVSDNYGAPP[Gly449Arg]AAVQARSSVA

ClinVar aggregate classification (germline): Uncertain significance (1 of 4 stars; one submission).

Submission:

Labcorp Genetics (formerly Invitae), Labcorp
Classification: Uncertain significance. Last evaluated: 2022-08-19. Review status: criteria provided, single submitter. Criteria: Invitae Variant Classification Sherloc (09022015). Collection method: clinical testing. Allele origin: germline.
Comment: This sequence change replaces glycine, which is neutral and non-polar, with arginine, which is basic and polar, at codon 449 of the FAT4 protein (p.Gly449Arg). This variant is not present in population databases (gnomAD no frequency). This variant has not been reported in the literature in individuals affected with FAT4-related conditions. Advanced modeling of protein sequence and biophysical properties (such as structural, functional, and spatial information, amino acid conservation, physicochemical variation, residue mobility, and thermodynamic stability) performed at Invitae indicates that this missense variant is not expected to disrupt FAT4 protein function. In summary, the available evidence is currently insufficient to determine the role of this variant in disease. Therefore, it has been classified as a Variant of Uncertain Significance.